The following is an entry in ClinVar:

NM_001148.6(ANK2):c.3770C>A (p.Thr1257Asn)

Gene: ANK2 (ankyrin 2; plus strand). Cytogenetic location: 4q26.
Variant type: single nucleotide variant.
Coding change: c.3770C>A on transcript NM_001148.6 (MANE Select); coding-DNA position 3770, C replaced by A.
Protein change: p.Thr1257Asn; replaces threonine 1257 with asparagine.
Molecular consequence: missense variant.
Genome position (GRCh38, 1-based): chr4:113,336,755, C>A. VCF-style: chr4-113336755-C-A. GRCh37 (hg19) VCF-style: chr4-114257911-C-A.
Other names: c.3743C>A, p.Thr1248Asn (NM_001127493.3); c.3782C>A, p.Thr1261Asn (NM_001354225.2); c.3671C>A, p.Thr1224Asn (NM_001354228.2, NM_001354258.2); c.3749C>A, p.Thr1250Asn (NM_001354230.2); c.3812C>A, p.Thr1271Asn (NM_001354231.2, NM_001354242.2); c.3806C>A, p.Thr1269Asn (NM_001354232.2); c.3767C>A, p.Thr1256Asn (NM_001354235.2, NM_001354246.2, NM_001354265.2); c.3668C>A, p.Thr1223Asn (NM_001354236.2); and 31 more; short protein forms T1248N, T1257N, T1269N, T1283N, T433N, T440N, T1157N, T1190N.
Identifiers: ClinVar variation 954007 (VCV000954007.6), dbSNP rs1412760053, ClinGen allele CA357938874.

ClinVar aggregate classification (germline): Uncertain significance (1 of 4 stars; one submission).

Conditions:
Long QT syndrome (LQTS). Identifiers: MedGen C0023976, MeSH D008133, MONDO:0002442. Disease mechanism: loss of function. Inheritance: Various modes of inheritance.

Submission:

Labcorp Genetics (formerly Invitae), Labcorp
Classification: Uncertain significance for Long QT syndrome. Last evaluated: 2024-04-18. Review status: criteria provided, single submitter. Criteria: Invitae Variant Classification Sherloc (09022015). Collection method: clinical testing. Allele origin: germline.
Comment: This sequence change replaces threonine, which is neutral and polar, with asparagine, which is neutral and polar, at codon 1257 of the ANK2 protein (p.Thr1257Asn). This variant is not present in population databases (gnomAD no frequency). This variant has not been reported in the literature in individuals affected with ANK2-related conditions. ClinVar contains an entry for this variant (Variation ID: 954007). Advanced modeling of protein sequence and biophysical properties (such as structural, functional, and spatial information, amino acid conservation, physicochemical variation, residue mobility, and thermodynamic stability) has been performed at Invitae for this missense variant, however the output from this modeling did not meet the statistical confidence thresholds required to predict the impact of this variant on ANK2 protein function. In summary, the available evidence is currently insufficient to determine the role of this variant in disease. Therefore, it has been classified as a Variant of Uncertain Significance.